The following is an entry in ClinVar:

NM_004369.4(COL6A3):c.2302C>G (p.Arg768Gly)

Gene: COL6A3 (collagen type VI alpha 3 chain; minus strand). Cytogenetic location: 2q37.3.
Variant type: single nucleotide variant.
Coding change: c.2302C>G on transcript NM_004369.4 (MANE Select); coding-DNA position 2302, C replaced by G.
Protein change: p.Arg768Gly; replaces arginine 768 with glycine.
Molecular consequence: missense variant. On other transcripts: intron variant (1).
Genome position (GRCh38, 1-based): chr2:237,378,831, G>C on the plus strand (C>G on the coding strand, the complement: COL6A3 is on the minus strand). VCF-style: chr2-237378831-G-C. GRCh37 (hg19) VCF-style: chr2-238287474-G-C.
Other names: c.1081C>G, p.Arg361Gly (NM_057164.5); c.1684C>G, p.Arg562Gly (NM_057165.5, NM_057167.4); c.677-1487C>G (NM_057166.5); short protein forms R768G, R562G, R361G.
Identifiers: ClinVar variation 191156 (VCV000191156.11), dbSNP rs200722892, ClinGen allele CA236133.

ClinVar aggregate classification (germline): Conflicting classifications of pathogenicity. Review status: criteria provided, conflicting classifications (1 of 4 stars). 2 submissions from 2 submitters: Likely pathogenic (1); Uncertain significance (1). Last evaluated 2022-06-03.

Conditions:
Bethlem myopathy 1A. Also called: MYOPATHY, BENIGN CONGENITAL, WITH CONTRACTURES; Bethlem myopathy 1; Bethlem Muscular Dystrophy. Identifiers: Orphanet 610, MedGen CN029274, MONDO:0024530, OMIM 158810.

gnomAD v4.1: 4 of 1,614,236 alleles (0.00025%); highest among the groups gnomAD compares: Middle Eastern, 0.033%; no homozygotes.

Submissions (2):

Labcorp Genetics (formerly Invitae), Labcorp
Classification: Uncertain significance for Bethlem myopathy 1A. Last evaluated: 2022-06-03. Review status: criteria provided, single submitter. Criteria: Invitae Variant Classification Sherloc (09022015). Collection method: clinical testing. Allele origin: germline.
Comment: Algorithms developed to predict the effect of sequence changes on RNA splicing suggest that this variant may create or strengthen a splice site. In summary, the available evidence is currently insufficient to determine the role of this variant in disease. Therefore, it has been classified as a Variant of Uncertain Significance. This sequence change replaces arginine, which is basic and polar, with glycine, which is neutral and non-polar, at codon 768 of the COL6A3 protein (p.Arg768Gly). This variant is not present in population databases (gnomAD no frequency). This variant has not been reported in the literature in individuals affected with COL6A3-related conditions. ClinVar contains an entry for this variant (Variation ID: 191156). Advanced modeling of protein sequence and biophysical properties (such as structural, functional, and spatial information, amino acid conservation, physicochemical variation, residue mobility, and thermodynamic stability) performed at Invitae indicates that this missense variant is not expected to disrupt COL6A3 protein function.

Genomic Medicine Center of Excellence, King Faisal Specialist Hospital and Research Centre
Classification: Likely pathogenic. Review status: criteria provided, single submitter. Criteria: ACMG Guidelines, 2015. Collection method: research. Allele origin: germline. Affected: yes.